The following is an entry in ClinVar:

NM_000075.4(CDK4):c.681T>G (p.Phe227Leu)

Genes: CDK4 (cyclin dependent kinase 4; minus strand), TSPAN31 (tetraspanin 31; plus strand). Cytogenetic location: 12q14.1.
Variant type: single nucleotide variant.
Coding change: c.681T>G on transcript NM_000075.4 (MANE Select); coding-DNA position 681, T replaced by G.
Protein change: p.Phe227Leu; replaces phenylalanine 227 with leucine.
Molecular consequence: missense variant. On other transcripts: 3 prime UTR variant (3).
Genome position (GRCh38, 1-based): chr12:57,749,456, A>C on the plus strand (T>G on the coding strand, the complement: CDK4 is on the minus strand). VCF-style: chr12-57749456-A-C. GRCh37 (hg19) VCF-style: chr12-58143239-A-C.
Other names: c.*2166A>C (NM_001330168.2, NM_001330169.2, NM_005981.5); short protein forms F227L.
Identifiers: ClinVar variation 1001651 (VCV001001651.12), dbSNP rs1193246679, ClinGen allele CA385543881.

ClinVar aggregate classification (germline): Uncertain significance. Review status: criteria provided, multiple submitters, no conflicts (2 of 4 stars). 3 submissions from 3 submitters: Uncertain significance (3). Last evaluated 2025-12-29.

Conditions:
Familial melanoma. Also called: Hereditary melanoma; Hereditary cutaneous melanoma. Identifiers: Orphanet 618, MedGen C1512419, MONDO:0018961.
Hereditary cancer-predisposing syndrome. Also called: Neoplastic Syndromes, Hereditary; Tumor predisposition; Hereditary Cancer Syndrome; Hereditary neoplastic syndrome. Identifiers: Orphanet 140162, MedGen C0027672, MeSH D009386, MONDO:0015356.

Allele frequency attached by ClinVar (database versions not stated): TOPMed below 0.00001; gnomAD 0.00001.
gnomAD v4.1: 2 of 1,614,106 alleles (0.00012%); highest among the groups gnomAD compares: Non-Finnish European, 0.00017%; no homozygotes.

Submissions (3):

Center for Genomic Medicine, Rigshospitalet, Copenhagen University Hospital
Classification: Uncertain significance. Last evaluated: 2025-12-29. Review status: criteria provided, single submitter. Criteria: ACMG Guidelines, 2015. Collection method: clinical testing. Allele origin: germline.
Comment: Classification criteria: BP4_Moderate

Ambry Genetics
Classification: Uncertain significance for Hereditary cancer-predisposing syndrome. Last evaluated: 2025-08-20. Review status: criteria provided, single submitter. Criteria: Ambry Variant Classification Scheme 2023. Collection method: clinical testing. Allele origin: germline.
Comment: The p.F227L variant (also known as c.681T>G), located in coding exon 5 of the CDK4 gene, results from a T to G substitution at nucleotide position 681. The phenylalanine at codon 227 is replaced by leucine, an amino acid with highly similar properties. This amino acid position is conserved. In addition, this alteration is predicted to be tolerated by in silico analysis. Since supporting evidence is limited at this time, the clinical significance of this alteration remains unclear.

Labcorp Genetics (formerly Invitae), Labcorp
Classification: Uncertain significance for Familial melanoma. Last evaluated: 2020-07-02. Review status: criteria provided, single submitter. Criteria: Invitae Variant Classification Sherloc (09022015). Collection method: clinical testing. Allele origin: germline.
Comment: In summary, the available evidence is currently insufficient to determine the role of this variant in disease. Therefore, it has been classified as a Variant of Uncertain Significance. Algorithms developed to predict the effect of missense changes on protein structure and function are either unavailable or do not agree on the potential impact of this missense change (SIFT: "Tolerated"; PolyPhen-2: "Possibly Damaging"; Align-GVGD: "Class C0"). This variant has not been reported in the literature in individuals with CDK4-related conditions. This variant is not present in population databases (ExAC no frequency). This sequence change replaces phenylalanine with leucine at codon 227 of the CDK4 protein (p.Phe227Leu). The phenylalanine residue is highly conserved and there is a small physicochemical difference between phenylalanine and leucine.